The following is an entry in ClinVar:

NM_001374828.1(ARID1B):c.1211GAG[13] (p.Gly411_Ala412insGlyGlyGlyGlyGly)

Gene: ARID1B (AT-rich interaction domain 1B; plus strand). Cytogenetic location: 6q25.3.
Variant type: Microsatellite.
Coding change: c.1211GAG[13] on transcript NM_001374828.1 (MANE Select); 13 copies in a row of the 3-base unit GAG starting at c.1211; the reference has eight copies in a row; five copies, 15 bases duplicated.
Protein change: p.Gly411_Ala412insGlyGlyGlyGlyGly.
Molecular consequence: inframe insertion.
Genome position (GRCh38, 1-based): chr6:156,778,900-156,778,914, GAGGAGGAGGAGGAG duplicated; duplicating any 15 consecutive bases within chr6:156,778,890-156,778,914 gives the same sequence; the position shown is the placement nearest the transcript's 3' end. VCF-style (leftmost placement, unchanged base first): chr6-156778889-C-CGGAGGAGGAGGAGGA. GRCh37 (hg19) VCF-style: chr6-157100023-C-CGGAGGAGGAGGAGGA.
Other names: c.1211GAG[13], p.Gly411_Ala412insGlyGlyGlyGlyGly (NM_001371656.1, NM_001374820.1, NM_017519.3); c.971_985dup15 (NM_020732.3).
Identifiers: ClinVar variation 3358667 (VCV003358667.1).
Genomic context (GRCh38, chr6:156,778,889, plus strand): 5'-CTACAGCCGGCCCGGCGCGGGCGGCGGCGGCGGCGGCGGCGGCGGAGGAGGAGGAGGCAG[C>CGGAGGAGGAGGAGGA]GGAGGAGGAGGAGGAGGAGGAGGAGCAGGAGCAGGAGGAGCAGGAGCGGGAGCTGTGGCG-3'

ClinVar aggregate classification (germline): Uncertain significance (0 of 4 stars; one submission).

Conditions:
ARID1B-Related Disorder. Identifiers: MedGen CN381337.

Submission:

PreventionGenetics, part of Exact Sciences
Classification: Uncertain significance for ARID1B-related condition. Last evaluated: 2024-05-06. Review status: no assertion criteria provided. Collection method: clinical testing. Allele origin: germline.
Comment: The ARID1B c.971_985dup15 variant is predicted to result in an in-frame duplication (p.Gly324_Gly328dup). To our knowledge, this variant has not been reported in the literature or in a large population database, indicating this variant is rare. At this time, the clinical significance of this variant is uncertain due to the absence of conclusive functional and genetic evidence.